The following is an entry in ClinVar:

NM_024675.4(PALB2):c.3278T>C (p.Ile1093Thr)

Gene: PALB2 (partner and localizer of BRCA2; minus strand). Cytogenetic location: 16p12.2.
Variant type: single nucleotide variant.
Coding change: c.3278T>C on transcript NM_024675.4 (MANE Select); coding-DNA position 3278, T replaced by C.
Protein change: p.Ile1093Thr; replaces isoleucine 1093 with threonine.
Molecular consequence: missense variant.
Genome position (GRCh38, 1-based): chr16:23,607,936, A>G on the plus strand (T>C on the coding strand, the complement: PALB2 is on the minus strand). VCF-style: chr16-23607936-A-G. GRCh37 (hg19) VCF-style: chr16-23619257-A-G.
Other names: p.I1093T:ATT>ACT; short protein forms I1093T.
Identifiers: ClinVar variation 182774 (VCV000182774.31), dbSNP rs45616636, ClinGen allele CA299750.

ClinVar aggregate classification (germline): Conflicting classifications of pathogenicity. Review status: criteria provided, conflicting classifications (1 of 4 stars). 9 submissions from 9 submitters: Uncertain significance (6); Likely benign (2). 1 of the submissions does not count toward it. Last evaluated 2025-12-09.

Conditions:
Breast-ovarian cancer, familial, susceptibility to, 5 (BROVCA5). Identifiers: MedGen C5830615, MONDO:0957530, OMIM 620442.
Hereditary cancer-predisposing syndrome. Also called: Tumor predisposition; Hereditary Cancer Syndrome; Hereditary neoplastic syndrome; Neoplastic Syndromes, Hereditary. Identifiers: Orphanet 140162, MedGen C0027672, MeSH D009386, MONDO:0015356.
Familial cancer of breast. Also called: BREAST CANCER, FAMILIAL; Hereditary breast cancer; hereditary breast carcinoma. Identifiers: Orphanet 227535, MedGen C0346153, MONDO:0016419, OMIM 114480. Disease mechanism: loss of function.
Malignant tumor of breast. Also called: Malignant breast neoplasm; Cancer breast. Identifiers: MedGen C0006142, MONDO:0007254. Disease mechanism: loss of function.

Allele frequency attached by ClinVar (database versions not stated): gnomAD 0.00001; gnomAD exomes 0.00001; ExAC 0.00002; TOPMed 0.00002.
gnomAD v4.1: 24 of 1,614,050 alleles (0.0015%); highest among the groups gnomAD compares: Middle Eastern, 0.016%; no homozygotes.

Submissions (9):

Color Diagnostics, LLC DBA Color Health
Classification: Likely benign for Hereditary cancer-predisposing syndrome. Last evaluated: 2025-12-09. Review status: criteria provided, single submitter. Criteria: ACMG Guidelines, 2015. Collection method: clinical testing. Allele origin: germline.

Ambry Genetics
Classification: Uncertain significance for Hereditary cancer-predisposing syndrome. Last evaluated: 2025-08-11. Review status: criteria provided, single submitter. Criteria: Ambry Variant Classification Scheme 2023. Collection method: clinical testing. Allele origin: germline.
Comment: The p.I1093T variant (also known as c.3278T>C), located in coding exon 12 of the PALB2 gene, results from a T to C substitution at nucleotide position 3278. The isoleucine at codon 1093 is replaced by threonine, an amino acid with similar properties. In one functional study, this alteration demonstrated normal PARP inhibitor sensitivity, BRCA1/BRCA2 binding, RAD51 foci formation and homology-directed DNA repair (HDR) (Rodrigue A et al. Nucleic Acids Res., 2019 11;47:10662-10677). This alteration was found to be hypomorphic in another homology-directed DNA repair (HDR) assay (Wiltshire T et al. Genet Med, 2020 03;22:622-632). This amino acid position is well conserved in available vertebrate species. In addition, the in silico prediction for this alteration is inconclusive. Based on the available evidence, the clinical significance of this variant remains unclear.

Labcorp Genetics (formerly Invitae), Labcorp
Classification: Uncertain significance for Familial cancer of breast. Last evaluated: 2025-02-04. Review status: criteria provided, single submitter. Criteria: Invitae Variant Classification Sherloc (09022015). Collection method: clinical testing. Allele origin: germline.
Comment: This sequence change replaces isoleucine, which is neutral and non-polar, with threonine, which is neutral and polar, at codon 1093 of the PALB2 protein (p.Ile1093Thr). This variant is present in population databases (rs45616636, gnomAD 0.003%). This missense change has been observed in individual(s) with breast cancer and ovarian cancer (PMID: 25575445, 34326862). ClinVar contains an entry for this variant (Variation ID: 182774). An algorithm developed to predict the effect of missense changes on protein structure and function (PolyPhen-2) suggests that this variant is likely to be disruptive. Experimental studies have shown that this missense change does not substantially affect PALB2 function (PMID: 31586400, 31636395). In summary, the available evidence is currently insufficient to determine the role of this variant in disease. Therefore, it has been classified as a Variant of Uncertain Significance.

Baylor Genetics
Classification: Uncertain significance for Familial cancer of breast. Last evaluated: 2024-03-09. Review status: criteria provided, single submitter. Criteria: ACMG Guidelines, 2015. Collection method: clinical testing. Allele origin: unknown.

Quest Diagnostics Nichols Institute San Juan Capistrano
Classification: Uncertain significance. Last evaluated: 2023-08-28. Review status: criteria provided, single submitter. Criteria: Quest Diagnostics criteria. Collection method: clinical testing. Allele origin: unknown.
Comment: In the published literature, this variant has been reported in individuals with unspecified cancers (PMIDs: 28873162 (2017) and 34326862 (2021)), as well as breast cancer (PMID: 25575445 (2015)). In addition, functional studies have shown that this variant results in normal HDR activity, PARP inhibitor olaparib sensitivity, and BRCA2 binding (PMIDs: 31586400 (2019) and 31636395 (2020)). The frequency of this variant in the general population, 0.000008 (2/251486 chromosomes (Genome Aggregation Database)), is uninformative in the assessment of its pathogenicity. Analysis of this variant using bioinformatics tools for the prediction of the effect of amino acid changes on protein structure and function yielded conflicting predictions that this variant is benign or damaging. Based on the available information, we are unable to determine the clinical significance of this variant.

Sema4
Classification: Uncertain significance for Hereditary cancer-predisposing syndrome. Last evaluated: 2021-11-19. Review status: criteria provided, single submitter. Criteria: Sema4 Curation Guidelines. Collection method: curation. Allele origin: germline.
Comment: The PALB2 c.3278T>C (p.I1093T) variant has been reported in heterozygosity in an individual with breast cancer and has also been reported in a healthy control (PMID: 25575445, 17200668). This variant was observed in 1/34592 chromosomes of the Latino subpopulation in the large and broad cohorts of the Genome Aggregation Database (PMID: 32461654). The variant has been reported in ClinVar (Variation ID: 182774). In silico predictions of the variant's effect on protein function are inconclusive. Functional studies have demonstrated normal protein function, including homology-directed repair activity, BRCA2 interaction, nuclear localization, and RAD51 foci formation (PMID: 31586400, 31636395). The evidence is insufficient to meet ACMG/AMP criteria for classifying the variant as benign or pathogenic. Thus, the clinical significance of this variant is currently uncertain.

GeneDx
Classification: Uncertain significance. Last evaluated: 2020-02-25. Review status: criteria provided, single submitter. Criteria: GeneDx Variant Classification Process June 2021. Collection method: clinical testing. Allele origin: germline. Affected: yes.
Comment: Published functional studies demonstrate no damaging effect: homology-directed repair, BRCA2 interaction, and nuclear localization similar to wildtype (Rodrigue 2019, Wiltshire 2019); Observed in individuals with personal or family history of breast cancer (Nguyen-Dumont 2015); Not observed at a significant frequency in large population cohorts (Lek 2016); In silico analysis supports that this missense variant has a deleterious effect on protein structure/function; This variant is associated with the following publications: (PMID: 31586400, 25575445, 28873162, 31636395)

Department of Medical and Surgical Sciences, University of Bologna
Classification: Likely benign for Breast-ovarian cancer, familial, susceptibility to, 5. Review status: criteria provided, single submitter. Criteria: ACMG Guidelines, 2015. Collection method: clinical testing. Allele origin: unknown. Affected: yes. Observed: 1 compound heterozygote.

Department of Pathology and Laboratory Medicine, Sinai Health System
Classification: Uncertain significance for Malignant tumor of breast. Review status: no assertion criteria provided. Collection method: clinical testing. Allele origin: unknown. Affected: yes. Observed: 1 variant allele. Study: The Canadian Open Genetics Repository (COGR). Not counted in ClinVar's aggregate classification.
Comment: The PALB2 p.Ile1093Thr variant was identified in 1 of 2480 proband chromosomes (frequency: 0.0004) from individuals or families with breast cancer (Nguyen Dumont 2015). The variant was also identified in dbSNP (ID: rs45616636) as â€šÃ„ÃºWith Uncertain significance alleleâ€šÃ„Ã¹, in ClinVar (classified as uncertain significance by GeneDx, Invitae, Ambry Genetics, Color Genomics), MutDB, and the Zhejiang University Database. The variant was not identified in the Cosmic, or LOVD 3.0 databases. The variant was identified in control databases in 2 of 246268 chromosomes at a frequency of 0.000008 (Genome Aggregation Database Feb 27, 2017). It was observed in the following populations: Latino in 1 of 33582 chromosomes (freq: 0.00003), and European in 1 of 111718 chromosomes (freq: 0.00001); it was not observed in the African, Other, Ashkenazi Jewish, East Asian, Finnish, and South Asian populations. The p.Ile1093 residue is not conserved in mammals and other organisms, and 3 of 5 computational analyses (PolyPhen-2, SIFT, AlignGVGD, BLOSUM, MutationTaster) suggest that the variant may impact the protein, although this is not very predictive of pathogenicity. The variant occurs outside of the splicing consensus sequence and in silico or computational prediction software programs (SpliceSiteFinder, MaxEntScan, NNSPLICE, GeneSplicer, HumanSpliceFinder) do not predict a difference in splicing. In summary, based on the above information the clinical significance of this variant cannot be determined with certainty at this time. This variant is classified as a variant of uncertain significance.

Literature cited by the submitters: PubMed 17200668 (cited by Ambry Genetics and Sema4); PubMed 25575445 (cited by 4 submitters); PubMed 31206626 (cited by Ambry Genetics); PubMed 31586400 (cited by 4 submitters); PubMed 31636395 (cited by 4 submitters); PubMed 32885271 (cited by Ambry Genetics); PubMed 34326862 (cited by Labcorp Genetics (formerly Invitae), Labcorp and Quest Diagnostics Nichols Institute San Juan Capistrano); PubMed 28873162 (cited by Quest Diagnostics Nichols Institute San Juan Capistrano).